The following is an entry in ClinVar:

NM_000875.5(IGF1R):c.3457+1G>A

Gene: IGF1R (insulin like growth factor 1 receptor; plus strand). Cytogenetic location: 15q26.3.
Variant type: single nucleotide variant.
Coding change: c.3457+1G>A on transcript NM_000875.5 (MANE Select); the canonical splice donor site of the intron after coding-DNA position 3457, G replaced by A.
Molecular consequence: splice donor variant.
Genome position (GRCh38, 1-based): chr15:98,939,361, G>A. VCF-style: chr15-98939361-G-A. GRCh37 (hg19) VCF-style: chr15-99482590-G-A.
Other names: c.3454+1G>A (NM_001291858.2).
Identifiers: ClinVar variation 3371420 (VCV003371420.2).

ClinVar aggregate classification (germline): Pathogenic/Likely pathogenic. Review status: criteria provided, multiple submitters, no conflicts (2 of 4 stars). 2 submissions from 2 submitters: Pathogenic (1); Likely pathogenic (1). Last evaluated 2025-08-14.

gnomAD v4.1: 2 of 1,613,966 alleles (0.00012%); highest among the groups gnomAD compares: African/African-American, 0.0027%; no homozygotes.

Submissions (2):

Labcorp Genetics (formerly Invitae), Labcorp
Classification: Likely pathogenic. Last evaluated: 2025-08-14. Review status: criteria provided, single submitter. Criteria: Invitae Variant Classification Sherloc (09022015). Collection method: clinical testing. Allele origin: germline.
Comment: This sequence change affects a donor splice site in intron 18 of the IGF1R gene. It is expected to disrupt RNA splicing. Variants that disrupt the donor or acceptor splice site typically lead to a loss of protein function (PMID: 16199547), and loss-of-function variants in IGF1R are known to be pathogenic (PMID: 14657428). This variant is present in population databases (no rsID available, gnomAD 0.01%). This variant has not been reported in the literature in individuals affected with IGF1R-related conditions. ClinVar contains an entry for this variant (Variation ID: 3371420). Algorithms developed to predict the effect of sequence changes on RNA splicing suggest that this variant may disrupt the consensus splice site. In summary, the currently available evidence indicates that the variant is pathogenic, but additional data are needed to prove that conclusively. Therefore, this variant has been classified as Likely Pathogenic.

GeneDx
Classification: Pathogenic. Last evaluated: 2024-04-29. Review status: criteria provided, single submitter. Criteria: GeneDx Variant Classification Process June 2021. Collection method: clinical testing. Allele origin: germline. Affected: yes.
Comment: Canonical splice site variant predicted to result in a null allele in a gene for which loss of function is a known mechanism of disease; Has not been previously published as pathogenic or benign to our knowledge

Literature cited by the submitters: PubMed 16199547 (cited by Labcorp Genetics (formerly Invitae), Labcorp); PubMed 14657428 (cited by Labcorp Genetics (formerly Invitae), Labcorp).